The following is an entry in ClinVar:

ClinVar aggregate classification (germline): Uncertain significance (1 of 4 stars; one submission).

Submission:

Ambry Genetics
Classification: Uncertain significance. Last evaluated: 2025-06-06. Review status: criteria provided, single submitter. Criteria: Ambry Variant Classification Scheme 2023. Collection method: clinical testing. Allele origin: germline.
Comment: The p.L312F variant (also known as c.936A>C), located in coding exon 9 of the SRP72 gene, results from an A to C substitution at nucleotide position 936. The leucine at codon 312 is replaced by phenylalanine, an amino acid with highly similar properties. This amino acid position is conserved. In addition, this alteration is predicted to be deleterious by in silico analysis. Based on the available evidence, the clinical significance of this variant remains unclear.

NM_006947.4(SRP72):c.936A>C (p.Leu312Phe)

Gene: SRP72 (signal recognition particle 72; plus strand). Cytogenetic location: 4q12.
Variant type: single nucleotide variant.
Coding change: c.936A>C on transcript NM_006947.4 (MANE Select); coding-DNA position 936, A replaced by C.
Protein change: p.Leu312Phe; replaces leucine 312 with phenylalanine.
Molecular consequence: missense variant. On other transcripts: non-coding transcript variant (1).
Genome position (GRCh38, 1-based): chr4:56,483,249, A>C. VCF-style: chr4-56483249-A-C. GRCh37 (hg19) VCF-style: chr4-57349415-A-C.
Other names: c.753A>C, p.Leu251Phe (NM_001267722.2); short protein forms L251F, L312F.
Identifiers: ClinVar variation 3962138 (VCV003962138.1).